The following is an entry in ClinVar:

NM_024675.4(PALB2):c.2957A>C (p.Asp986Ala)

Gene: PALB2 (partner and localizer of BRCA2; minus strand). Cytogenetic location: 16p12.2.
Variant type: single nucleotide variant.
Coding change: c.2957A>C on transcript NM_024675.4 (MANE Select); coding-DNA position 2957, A replaced by C.
Protein change: p.Asp986Ala; replaces aspartic acid 986 with alanine.
Molecular consequence: missense variant.
Genome position (GRCh38, 1-based): chr16:23,623,008, T>G on the plus strand (A>C on the coding strand, the complement: PALB2 is on the minus strand). VCF-style: chr16-23623008-T-G. GRCh37 (hg19) VCF-style: chr16-23634329-T-G.
Other names: c.2957A>C (NM_024675.3); short protein forms D986A.
Identifiers: ClinVar variation 1473096 (VCV001473096.12), dbSNP rs2142335218, ClinGen allele CA395144014.

ClinVar aggregate classification (germline): Uncertain significance. Review status: criteria provided, multiple submitters, no conflicts (2 of 4 stars). 3 submissions from 3 submitters: Uncertain significance (3). Last evaluated 2024-09-30.

Conditions:
Hereditary cancer-predisposing syndrome. Also called: Neoplastic Syndromes, Hereditary; Hereditary Cancer Syndrome; Tumor predisposition; Hereditary neoplastic syndrome. Identifiers: Orphanet 140162, MedGen C0027672, MeSH D009386, MONDO:0015356.
Familial cancer of breast. Also called: hereditary breast carcinoma; BREAST CANCER, FAMILIAL; Hereditary breast cancer. Identifiers: Orphanet 227535, MedGen C0346153, MONDO:0016419, OMIM 114480. Disease mechanism: loss of function.

Submissions (3):

Labcorp Genetics (formerly Invitae), Labcorp
Classification: Uncertain significance for Familial cancer of breast. Last evaluated: 2024-09-30. Review status: criteria provided, single submitter. Criteria: Invitae Variant Classification Sherloc (09022015). Collection method: clinical testing. Allele origin: germline.
Comment: This sequence change replaces aspartic acid, which is acidic and polar, with alanine, which is neutral and non-polar, at codon 986 of the PALB2 protein (p.Asp986Ala). This variant is not present in population databases (gnomAD no frequency). This variant has not been reported in the literature in individuals affected with PALB2-related conditions. ClinVar contains an entry for this variant (Variation ID: 1473096). Invitae Evidence Modeling of protein sequence and biophysical properties (such as structural, functional, and spatial information, amino acid conservation, physicochemical variation, residue mobility, and thermodynamic stability) indicates that this missense variant is expected to disrupt PALB2 protein function with a positive predictive value of 80%. In summary, the available evidence is currently insufficient to determine the role of this variant in disease. Therefore, it has been classified as a Variant of Uncertain Significance.

Ambry Genetics
Classification: Uncertain significance for Hereditary cancer-predisposing syndrome. Last evaluated: 2024-09-09. Review status: criteria provided, single submitter. Criteria: Ambry Variant Classification Scheme 2023. Collection method: clinical testing. Allele origin: germline.
Comment: The p.D986A variant (also known as c.2957A>C), located in coding exon 9 of the PALB2 gene, results from an A to C substitution at nucleotide position 2957. The aspartic acid at codon 986 is replaced by alanine, an amino acid with dissimilar properties. This amino acid position is conserved. In addition, this alteration is predicted to be tolerated by in silico analysis. Based on the available evidence, the clinical significance of this variant remains unclear.

Color Diagnostics, LLC DBA Color Health
Classification: Uncertain significance for Hereditary cancer-predisposing syndrome. Last evaluated: 2023-02-16. Review status: criteria provided, single submitter. Criteria: ACMG Guidelines, 2015. Collection method: clinical testing. Allele origin: germline.
Comment: This missense variant replaces aspartic acid with alanine at codon 986 of the PALB2 protein. Computational prediction suggests that this variant may not impact protein structure and function (internally defined REVEL score threshold <= 0.5, PMID: 27666373). To our knowledge, functional studies have not been reported for this variant. This variant has not been reported in individuals affected with PALB2-related disorders in the literature. This variant has not been identified in the general population by the Genome Aggregation Database (gnomAD). The available evidence is insufficient to determine the role of this variant in disease conclusively. Therefore, this variant is classified as a Variant of Uncertain Significance.